The following is an entry in ClinVar:

NM_012193.4(FZD4):c.*4883G>T

Genes: PRSS23 (serine protease 23; plus strand), FZD4 (frizzled class receptor 4; minus strand). Cytogenetic location: 11q14.2.
Variant type: single nucleotide variant.
Coding change: c.*4883G>T on transcript NM_012193.4 (MANE Select); 4883 bases downstream of the stop codon, G replaced by T.
Molecular consequence: 3 prime UTR variant.
Genome position (GRCh38, 1-based): chr11:86,946,259, C>A on the plus strand (G>T on the coding strand, the complement: FZD4 is on the minus strand). VCF-style: chr11-86946259-C-A. GRCh37 (hg19) VCF-style: chr11-86657301-C-A.
Identifiers: ClinVar variation 306330 (VCV000306330.5), dbSNP rs147967476, ClinGen allele CA10640368.

ClinVar aggregate classification (germline): Benign (1 of 4 stars; one submission).

Conditions:
Exudative vitreoretinopathy 1 (EVR1). Also called: CRISWICK-SCHEPENS SYNDROME; FEVR, AUTOSOMAL DOMINANT; Familial exudative vitreoretinopathy, autosomal dominant. Identifiers: Orphanet 891, Orphanet 90050, MedGen C1851402, MONDO:0007589, OMIM 133780.

Allele frequency attached by ClinVar (database versions not stated): 1000 Genomes Project 0.00180; 1000 Genomes Project 30x 0.00203; gnomAD 0.00253 and 0.00280; TOPMed 0.00274.

Submission:

Illumina Laboratory Services, Illumina
Classification: Benign for Exudative vitreoretinopathy 1. Last evaluated: 2018-01-13. Review status: criteria provided, single submitter. Criteria: ICSL Variant Classification Criteria 13 December 2019. Collection method: clinical testing. Allele origin: germline.
Comment: This variant was observed in the ICSL laboratory as part of a predisposition screen in an ostensibly healthy population. It had not been previously curated by ICSL or reported in the Human Gene Mutation Database (HGMD: prior to June 1st, 2018), and was therefore a candidate for classification through an automated scoring system. Utilizing variant allele frequency, disease prevalence and penetrance estimates, and inheritance mode, an automated score was calculated to assess if this variant is too frequent to cause the disease. Based on the score and internal cut-off values, a variant classified as benign is not then subjected to further curation. The score for this variant resulted in a classification of benign for this disease.